The following is an entry in ClinVar:

ClinVar aggregate classification (germline): Likely pathogenic (1 of 4 stars; one submission).

Conditions:
Ataxia-telangiectasia syndrome (AT). Also called: Cerebello-oculocutaneous telangiectasia; Immunodeficiency with ataxia telangiectasia; AT, COMPLEMENTATION GROUP C; LOUIS-BAR SYNDROME; Ataxia-telangiectasia, complementation group E; Ataxia telangiectasia (A-T). Identifiers: Orphanet 100, MedGen C0004135, MONDO:0008840, OMIM 208900.

Submission:

Women's Health and Genetics/Laboratory Corporation of America, LabCorp
Classification: Likely pathogenic for Ataxia-telangiectasia syndrome. Last evaluated: 2023-04-01. Review status: criteria provided, single submitter. Criteria: LabCorp Variant Classification Summary - May 2015. Collection method: clinical testing. Allele origin: germline.
Comment: Variant summary: ATM c.829delG (p.Glu277LysfsX43) results in a premature termination codon, predicted to cause an absence of the protein due to nonsense mediated decay, which is a commonly known mechanism for disease. Truncations downstream of this position have been classified as pathogenic by our laboratory. The variant was absent in 250786 control chromosomes. To our knowledge, no occurrence of c.829delG in individuals affected with Ataxia-Telangiectasia/ATM-related cancers and no experimental evidence demonstrating its impact on protein function have been reported. No clinical diagnostic laboratories have submitted clinical-significance assessments for this variant to ClinVar after 2014. Based on the evidence outlined above, the variant was classified as likely pathogenic.

NM_000051.4(ATM):c.829del (p.Glu277fs)

Gene: ATM (ATM serine/threonine kinase; plus strand). Cytogenetic location: 11q22.3.
Variant type: Deletion.
Coding change: c.829del on transcript NM_000051.4 (MANE Select); coding-DNA position 829, one base deleted (G; older notation c.829delG).
Protein change: p.Glu277fs; shifts the reading frame from glutamic acid 277.
Molecular consequence: frameshift variant.
Genome position (GRCh38, 1-based): chr11:108,244,954, G deleted. VCF-style (leftmost placement, unchanged base first): chr11-108244953-AG-A. GRCh37 (hg19) VCF-style: chr11-108115680-AG-A.
Other names: c.829del, p.Glu277fs (NM_001351834.2); short protein forms E277fs.
Identifiers: ClinVar variation 2503962 (VCV002503962.1), dbSNP rs2497152873, ClinGen allele CA2580616426.